The following is an entry in ClinVar:

NM_004370.6(COL12A1):c.4546A>G (p.Thr1516Ala)

Gene: COL12A1 (collagen type XII alpha 1 chain; minus strand). Cytogenetic location: 6q13.
Variant type: single nucleotide variant.
Coding change: c.4546A>G on transcript NM_004370.6 (MANE Select); coding-DNA position 4546, A replaced by G.
Protein change: p.Thr1516Ala; replaces threonine 1516 with alanine.
Molecular consequence: missense variant.
Genome position (GRCh38, 1-based): chr6:75,146,116, T>C on the plus strand (A>G on the coding strand, the complement: COL12A1 is on the minus strand). VCF-style: chr6-75146116-T-C. GRCh37 (hg19) VCF-style: chr6-75855832-T-C.
Other names: c.1054A>G, p.Thr352Ala (NM_080645.3); c.4546A>G (NM_004370.5); short protein forms T1516A, T352A.
Identifiers: ClinVar variation 1897888 (VCV001897888.6), dbSNP rs756040230, ClinGen allele CA3893427.

ClinVar aggregate classification (germline): Uncertain significance. Review status: criteria provided, multiple submitters, no conflicts (2 of 4 stars). 2 submissions from 2 submitters: Uncertain significance (2). Last evaluated 2025-04-03.

Conditions:
Inborn genetic diseases. Identifiers: MedGen C0950123, MeSH D030342.
Ullrich congenital muscular dystrophy 2 (UCMD2). Identifiers: Orphanet 75840, MedGen C4225314, MONDO:0014654, OMIM 616470.
Bethlem myopathy 2 (BTHLM2). Identifiers: Orphanet 536516, Orphanet 610, MedGen C4225313, MONDO:0034022, OMIM 616471.

Allele frequency attached by ClinVar (database versions not stated): TOPMed below 0.00001; gnomAD exomes 0.00001; ExAC 0.00002.
gnomAD v4.1: 8 of 1,602,802 alleles (0.0005%); highest among the groups gnomAD compares: South Asian, 0.0023%; no homozygotes.

Submissions (2):

Ambry Genetics
Classification: Uncertain significance for Inborn genetic diseases. Last evaluated: 2025-04-03. Review status: criteria provided, single submitter. Criteria: Ambry Variant Classification Scheme 2023. Collection method: clinical testing. Allele origin: germline.

Labcorp Genetics (formerly Invitae), Labcorp
Classification: Uncertain significance for Bethlem myopathy 2; Ullrich congenital muscular dystrophy 2. Last evaluated: 2022-09-16. Review status: criteria provided, single submitter. Criteria: Invitae Variant Classification Sherloc (09022015). Collection method: clinical testing. Allele origin: germline.
Comment: This sequence change replaces threonine, which is neutral and polar, with alanine, which is neutral and non-polar, at codon 1516 of the COL12A1 protein (p.Thr1516Ala). This variant is present in population databases (rs756040230, gnomAD 0.004%). This variant has not been reported in the literature in individuals affected with COL12A1-related conditions. Advanced modeling of protein sequence and biophysical properties (such as structural, functional, and spatial information, amino acid conservation, physicochemical variation, residue mobility, and thermodynamic stability) performed at Invitae indicates that this missense variant is not expected to disrupt COL12A1 protein function. In summary, the available evidence is currently insufficient to determine the role of this variant in disease. Therefore, it has been classified as a Variant of Uncertain Significance.